The following is an entry in ClinVar:

ClinVar aggregate classification (germline): Uncertain significance. Review status: criteria provided, multiple submitters, no conflicts (2 of 4 stars). 6 submissions from 6 submitters: Uncertain significance (6). Last evaluated 2025-12-09.

Conditions:
Familial thoracic aortic aneurysm and aortic dissection (TAAD). Also called: Thoracic aortic aneurysms and dissections. Identifiers: Orphanet 91387, MedGen C4707243, MONDO:0019625.
Melnick-Needles syndrome (MNS). Also called: MELNICK-NEEDLES OSTEODYSPLASTY; OSTEODYSPLASTY OF MELNICK AND NEEDLES; Melnick-Needles Syndrome (FLNA-MNS). Identifiers: Orphanet 2484, MedGen C0025237, MONDO:0010650, OMIM 309350.
Heterotopia, periventricular, X-linked dominant (PVNH1). Also called: PERIVENTRICULAR NODULAR HETEROTOPIA 4; HETEROTOPIA, PERIVENTRICULAR, 1; PERIVENTRICULAR NODULAR HETEROTOPIA 1; X-linked periventricular heterotopia. Identifiers: Orphanet 2149, Orphanet 82004, MedGen C1848213, MONDO:0010233, OMIM 300049.
Oto-palato-digital syndrome, type II (OPD2). Also called: FACIOPALATOOSSEOUS SYNDROME; Otopalatodigital Syndrome, Type II; OPD II SYNDROME; Otopalatodigital Syndrome Type 2 (FLNA-OPD2). Identifiers: Orphanet 669, Orphanet 90652, MedGen C1844696, MONDO:0010571, OMIM 304120.
Frontometaphyseal dysplasia (FMD1). Identifiers: Orphanet 1826, MedGen C0265293, MONDO:0015942.
FG syndrome 2 (FGS2). Identifiers: MedGen C1845902, MONDO:0010297, OMIM 300321.
Intestinal pseudoobstruction, neuronal, chronic idiopathic, X-linked (CIIPX). Also called: FLNA-Related Periventricular Nodular Heterotopia (FLNA-Related PVNH; Huttenlocher Syndrome); CONGENITAL IDIOPATHIC INTESTINAL PSEUDOOBSTRUCTION; INTESTINAL PSEUDOOBSTRUCTION, NEURONAL, CHRONIC IDIOPATHIC, WITH CENTRAL NERVOUS SYSTEM INVOLVEMENT. Identifiers: Orphanet 2301, MedGen C2746068, MONDO:0010232, OMIM 300048.
Oto-palato-digital syndrome, type I (OPD1). Also called: Otopalatodigital Syndrome, Type I; Taybi syndrome; OPD I SYNDROME; OPD SYNDROME 1; Otopalatodigital Syndrome Type 1 (FLNA-OPD1). Identifiers: Orphanet 669, Orphanet 90650, MedGen C0265251, MONDO:0010704, OMIM 311300.
Cardiac valvular dysplasia, X-linked (CVDPX). Also called: Congenital valvular dysplasia; Isolated X-Linked Cardiac Valvular Dysplasia; FLNA-Related X-linked Cardiac Valvular Dysplasia; VALVULAR HEART DISEASE, CONGENITAL; MYXOMATOUS VALVULAR DYSTROPHY, X-LINKED. Identifiers: Orphanet 1864, Orphanet 555877, Orphanet 75497, MedGen C0262436, MONDO:0010753, OMIM 314400.
Terminal osseous dysplasia-pigmentary defects syndrome. Also called: ODPD; TERMINAL OSSEOUS DYSPLASIA AND PIGMENTARY DEFECTS; Terminal Osseous Dysplasia (FLNA-TOD); ODPF SYNDROME; OSSEOUS DYSPLASIA, DIGITAL, WITH FACIAL PIGMENTARY DEFECTS AND MULTIPLE FRENULA. Identifiers: Orphanet 88630, MedGen C1846129, MONDO:0010279, OMIM 300244.
Frontometaphyseal dysplasia 1 (FMD1). Also called: Frontometaphyseal Dysplasia (FLNA-FMD). Identifiers: Orphanet 1826, MedGen C4281559, MONDO:0024550, OMIM 305620.

Allele frequency attached by ClinVar (database versions not stated): gnomAD 0.00001 and 0.00002; TOPMed 0.00003.
gnomAD v4.1: 41 of 1,209,083 alleles (0.0034%); highest among the groups gnomAD compares: South Asian, 0.0053%; no homozygotes.

Submissions (6):

Labcorp Genetics (formerly Invitae), Labcorp
Classification: Uncertain significance for Oto-palato-digital syndrome, type II; Heterotopia, periventricular, X-linked dominant; Frontometaphyseal dysplasia; Melnick-Needles syndrome. Last evaluated: 2025-12-09. Review status: criteria provided, single submitter. Criteria: Invitae Variant Classification Sherloc (09022015). Collection method: clinical testing. Allele origin: germline.
Comment: This sequence change replaces valine, which is neutral and non-polar, with isoleucine, which is neutral and non-polar, at codon 752 of the FLNA protein (p.Val752Ile). The frequency data for this variant in the population databases is considered unreliable, as metrics indicate poor data quality at this position in the gnomAD database. This missense change has been observed in individual(s) with generalized epilepsy (PMID: 30986657). ClinVar contains an entry for this variant (Variation ID: 432226). Invitae Evidence Modeling of protein sequence and biophysical properties (such as structural, functional, and spatial information, amino acid conservation, physicochemical variation, residue mobility, and thermodynamic stability) indicates that this missense variant is not expected to disrupt FLNA protein function with a negative predictive value of 95%. In summary, the available evidence is currently insufficient to determine the role of this variant in disease. Therefore, it has been classified as a Variant of Uncertain Significance.

Ambry Genetics
Classification: Uncertain significance for Familial thoracic aortic aneurysm and aortic dissection. Last evaluated: 2025-05-01. Review status: criteria provided, single submitter. Criteria: Ambry Variant Classification Scheme 2023. Collection method: clinical testing. Allele origin: germline.
Comment: The p.V752I variant (also known as c.2254G>A), located in coding exon 14 of the FLNA gene, results from a G to A substitution at nucleotide position 2254. The valine at codon 752 is replaced by isoleucine, an amino acid with highly similar properties. Based on data from gnomAD, the A allele has an overall frequency of 0.0046% (1/21814) total alleles studied, with 1 hemizygote(s) observed. The highest observed frequency was 0.0093% (1/10737) of European (non-Finnish) alleles. This amino acid position is well conserved in available vertebrate species. In addition, this alteration is predicted to be tolerated by in silico analysis. Since supporting evidence is limited at this time, the clinical significance of this alteration remains unclear.

Mayo Clinic Laboratories, Mayo Clinic
Classification: Uncertain significance. Last evaluated: 2021-10-21. Review status: criteria provided, single submitter. Criteria: ACMG Guidelines, 2015. Collection method: clinical testing. Allele origin: germline.

Blueprint Genetics
Classification: Uncertain significance. Last evaluated: 2021-04-08. Review status: criteria provided, single submitter. Criteria: ACMG Guidelines, 2015. Collection method: clinical testing. Allele origin: germline.

Fulgent Genetics
Classification: Uncertain significance for Intestinal pseudoobstruction, neuronal, chronic idiopathic, X-linked; Heterotopia, periventricular, X-linked dominant; Terminal osseous dysplasia-pigmentary defects syndrome; FG syndrome 2; Oto-palato-digital syndrome, type II; Frontometaphyseal dysplasia 1; Melnick-Needles syndrome; Oto-palato-digital syndrome, type I; Cardiac valvular dysplasia, X-linked. Last evaluated: 2018-10-31. Review status: criteria provided, single submitter. Criteria: ACMG Guidelines, 2015. Collection method: clinical testing. Allele origin: unknown.

GeneDx
Classification: Uncertain significance. Last evaluated: 2017-06-06. Review status: criteria provided, single submitter. Criteria: GeneDx Variant Classification (06012015). Collection method: clinical testing. Allele origin: germline. Affected: yes.
Comment: The V752I variant in the FLNA gene has not been reported previously as a pathogenic variant, nor as a benign variant, to our knowledge. The V752I variant is not observed in large population cohorts (Lek et al., 2016; 1000 Genomes Consortium et al., 2015; Exome Variant Server). The V752I variant is a conservative amino acid substitution, which is not likely to impact secondary protein structure as these residues share similar properties. This substitution occurs at a position where amino acids with similar properties to Valine are tolerated across species. In silico analysis is inconsistent in its predictions as to whether or not the variant is damaging to the protein structure/function. We interpret V752I as a variant of uncertain significance.

Literature cited by the submitters: PubMed 30986657 (cited by Labcorp Genetics (formerly Invitae), Labcorp).

NM_001110556.2(FLNA):c.2254G>A (p.Val752Ile)

Gene: FLNA (filamin A; minus strand). Cytogenetic location: Xq28.
Variant type: single nucleotide variant.
Coding change: c.2254G>A on transcript NM_001110556.2 (MANE Select); coding-DNA position 2254, G replaced by A.
Protein change: p.Val752Ile; replaces valine 752 with isoleucine.
Molecular consequence: missense variant.
Genome position (GRCh38, 1-based): chrX:154,364,048, C>T on the plus strand (G>A on the coding strand, the complement: FLNA is on the minus strand). VCF-style: chrX-154364048-C-T. GRCh37 (hg19) VCF-style: chrX-153592416-C-T.
Other names: p.Val752Ile; c.2254G>A, p.Val752Ile (NM_001456.4); short protein forms V752I.
Identifiers: ClinVar variation 432226 (VCV000432226.20), dbSNP rs1297013254, ClinGen allele CA415237672.